The following is an entry in ClinVar:

NM_003119.4(SPG7):c.1953G>A (p.Leu651=)

Gene: SPG7 (SPG7 matrix AAA peptidase subunit, paraplegin; plus strand). Cytogenetic location: 16q24.3.
Variant type: single nucleotide variant.
Coding change: c.1953G>A on transcript NM_003119.4 (MANE Select); coding-DNA position 1953, G replaced by A.
Protein change: p.Leu651=; no amino-acid change (leucine 651 retained).
Molecular consequence: synonymous variant.
Genome position (GRCh38, 1-based): chr16:89,553,810, G>A. VCF-style: chr16-89553810-G-A. GRCh37 (hg19) VCF-style: chr16-89620218-G-A.
Other names: c.1953G>A, p.Leu651= (NM_001363850.1).
Identifiers: ClinVar variation 388270 (VCV000388270.1), dbSNP rs1057523048, ClinGen allele CA16608340.

ClinVar aggregate classification (germline): Likely benign (1 of 4 stars; one submission).

Submission:

GeneDx
Classification: Likely benign. Last evaluated: 2016-08-09. Review status: criteria provided, single submitter. Criteria: GeneDx Variant Classification (06012015). Collection method: clinical testing. Allele origin: germline. Affected: yes.
Comment: This variant is considered likely benign or benign based on one or more of the following criteria: it is a conservative change, it occurs at a poorly conserved position in the protein, it is predicted to be benign by multiple in silico algorithms, and/or has population frequency not consistent with disease.